The following is an entry in ClinVar:

ClinVar aggregate classification (germline): Likely benign. Review status: criteria provided, multiple submitters, no conflicts (2 of 4 stars). 3 submissions from 3 submitters: Likely benign (3). Last evaluated 2025-07-29.

Conditions:
TPRN-related disorder. Also called: TPRN-related condition.

Allele frequency attached by ClinVar (database versions not stated): gnomAD 0.00006; TOPMed 0.00009; 1000 Genomes Project 0.00040; 1000 Genomes Project 30x 0.00047.
gnomAD v4.1: 195 of 1,613,360 alleles (0.012%); highest among the groups gnomAD compares: South Asian, 0.12%; 1 homozygote.

Submissions (3):

PreventionGenetics, part of Exact Sciences
Classification: Likely benign for TPRN-related condition. Last evaluated: 2025-07-29. Review status: criteria provided, single submitter. Criteria: ACMG Guidelines, 2015. Collection method: clinical testing. Allele origin: germline.
Comment: This variant is classified as likely benign based on ACMG/AMP sequence variant interpretation guidelines (Richards et al. 2015 PMID: 25741868, with internal and published modifications).

Blueprint Genetics
Classification: Likely benign. Last evaluated: 2024-11-25. Review status: criteria provided, single submitter. Criteria: ACMG Guidelines, 2015. Collection method: clinical testing. Allele origin: germline.

CeGaT Center for Human Genetics Tuebingen
Classification: Likely benign. Last evaluated: 2022-05-01. Review status: criteria provided, single submitter. Criteria: CeGaT Center For Human Genetics Tuebingen Variant Classification Criteria Version 2. Collection method: clinical testing. Allele origin: germline. Affected: yes. Observed: 1 variant allele.
Comment: TPRN: BP4, BP7

NM_001128228.3(TPRN):c.2127G>C (p.Leu709=)

Gene: TPRN (taperin; minus strand). Cytogenetic location: 9q34.3.
Variant type: single nucleotide variant.
Coding change: c.2127G>C on transcript NM_001128228.3 (MANE Select); coding-DNA position 2127, G replaced by C.
Protein change: p.Leu709=; no amino-acid change (leucine 709 retained).
Molecular consequence: synonymous variant.
Genome position (GRCh38, 1-based): chr9:137,192,121, C>G on the plus strand (G>C on the coding strand, the complement: TPRN is on the minus strand). VCF-style: chr9-137192121-C-G. GRCh37 (hg19) VCF-style: chr9-140086573-C-G.
Other names: c.2127G>C (NM_001128228.2).
Identifiers: ClinVar variation 1695277 (VCV001695277.33), dbSNP rs141477297, ClinGen allele CA5362491.
Genomic context (GRCh38, chr9:137,192,121, plus strand): 5'-CTTCCGGGACTCCCACAGCTGGGCTCAGCCTTGGTCCTGGCAGTGCTGGGCTCAGAAATA[C>G]AGGGCTGGCTCGCTGCGGAAGTCCGAGAGGTCATTCTGACTGGCGGGTGTGAGCTGAAAG-3'
Protein context (NP_001121700.2, residues 699-711): DLSDFRSEPA[Leu709=]YF